The following is an entry in ClinVar:

ClinVar aggregate classification (germline): Likely pathogenic. Review status: criteria provided, multiple submitters, no conflicts (2 of 4 stars). 2 submissions from 2 submitters: Likely pathogenic (2). Last evaluated 2025-02-06.

Conditions:
2-aminoadipic 2-oxoadipic aciduria (AAKAD). Also called: Aminoadipic aciduria; ALPHA-AMINOADIPIC AND ALPHA-KETOADIPIC ACIDURIA. Identifiers: Orphanet 79154, MedGen C1859817, MONDO:0008774, OMIM 204750.
Charcot-Marie-Tooth disease axonal type 2Q. Also called: CHARCOT-MARIE-TOOTH NEUROPATHY, TYPE 2Q; CHARCOT-MARIE-TOOTH DISEASE, AXONAL, AUTOSOMAL DOMINANT, TYPE 2Q. Identifiers: Orphanet 329258, MedGen C3554366, MONDO:0014012, OMIM 615025.

gnomAD v4.1: 17 of 1,594,130 alleles (0.0011%); highest among the groups gnomAD compares: Middle Eastern, 0.017%; 2 homozygotes.

Submissions (2):

Labcorp Genetics (formerly Invitae), Labcorp
Classification: Likely pathogenic for 2-aminoadipic 2-oxoadipic aciduria. Last evaluated: 2025-02-06. Review status: criteria provided, single submitter. Criteria: Invitae Variant Classification Sherloc (09022015). Collection method: clinical testing. Allele origin: germline.
Comment: This sequence change affects a donor splice site in intron 8 of the DHTKD1 gene. RNA analysis indicates that disruption of this splice site induces altered splicing and may result in an absent or altered protein product. This variant is present in population databases (rs765675933, gnomAD 0.01%). Disruption of this splice site has been observed in individual(s) with alphaaminoadipic and alpha-ketoadipic aciduria (PMID: 25860818). Studies have shown that disruption of this splice site results in an insertion of 64 basepairs, and produces a non-functional protein and/or introduces a premature termination codon (PMID: 25860818). In summary, the currently available evidence indicates that the variant is pathogenic, but additional data are needed to prove that conclusively. Therefore, this variant has been classified as Likely Pathogenic.

Kariminejad - Najmabadi Pathology & Genetics Center
Classification: Likely pathogenic for Charcot-Marie-Tooth disease axonal type 2Q; 2-aminoadipic 2-oxoadipic aciduria. Last evaluated: 2023-05-14. Review status: criteria provided, single submitter. Criteria: ACMG Guidelines, 2015. Collection method: clinical testing. Allele origin: germline. Inheritance: Autosomal dominant inheritance. Affected: yes.
Comment: PM2, PVS1

Literature cited by the submitters: PubMed 25860818 (cited by Labcorp Genetics (formerly Invitae), Labcorp).

NM_018706.7(DHTKD1):c.1671+1G>A

Gene: DHTKD1 (dehydrogenase E1 and transketolase domain containing 1; plus strand). Cytogenetic location: 10p14.
Variant type: single nucleotide variant.
Coding change: c.1671+1G>A on transcript NM_018706.7 (MANE Select); the canonical splice donor site of the intron after coding-DNA position 1671, G replaced by A.
Molecular consequence: splice donor variant.
Genome position (GRCh38, 1-based): chr10:12,097,997, G>A. VCF-style: chr10-12097997-G-A. GRCh37 (hg19) VCF-style: chr10-12139996-G-A.
Identifiers: ClinVar variation 3720923 (VCV003720923.3).